The following is an entry in ClinVar:

NM_014679.5(CEP57):c.74A>T (p.Asn25Ile)

Gene: CEP57 (centrosomal protein 57; plus strand). Cytogenetic location: 11q21.
Variant type: single nucleotide variant.
Coding change: c.74A>T on transcript NM_014679.5 (MANE Select); coding-DNA position 74, A replaced by T.
Protein change: p.Asn25Ile; replaces asparagine 25 with isoleucine.
Molecular consequence: missense variant. On other transcripts: 5 prime UTR variant (1).
Genome position (GRCh38, 1-based): chr11:95,799,260, A>T. VCF-style: chr11-95799260-A-T. GRCh37 (hg19) VCF-style: chr11-95532424-A-T.
Other names: c.47A>T, p.Asn16Ile (NM_001243776.2); c.74A>T, p.Asn25Ile (NM_001243777.2); c.-8A>T (NM_001363604.2); short protein forms N25I, N16I.
Identifiers: ClinVar variation 2519027 (VCV002519027.3), dbSNP rs1265252414, ClinGen allele CA382415479.

ClinVar aggregate classification (germline): Uncertain significance (1 of 4 stars; one submission).

Conditions:
Inborn genetic diseases. Identifiers: MedGen C0950123, MeSH D030342.

Allele frequency attached by ClinVar (database versions not stated): TOPMed below 0.00001; gnomAD 0.00001.
gnomAD v4.1: 13 of 1,614,034 alleles (0.00081%); highest among the groups gnomAD compares: South Asian, 0.014%; no homozygotes.

Submission:

Ambry Genetics
Classification: Uncertain significance for Inborn genetic diseases. Last evaluated: 2024-11-24. Review status: criteria provided, single submitter. Criteria: Ambry Variant Classification Scheme 2023. Collection method: clinical testing. Allele origin: germline.
Comment: The p.N25I variant (also known as c.74A>T), located in coding exon 2 of the CEP57 gene, results from an A to T substitution at nucleotide position 74. The asparagine at codon 25 is replaced by isoleucine, an amino acid with dissimilar properties. This amino acid position is conserved. In addition, this alteration is predicted to be tolerated by in silico analysis. Based on the available evidence, the clinical significance of this variant remains unclear.